The following is an entry in ClinVar:

NM_018975.4(TERF2IP):c.807C>A (p.Ser269Arg)

Gene: TERF2IP (TERF2 interacting protein; plus strand). Cytogenetic location: 16q23.1.
Variant type: single nucleotide variant.
Coding change: c.807C>A on transcript NM_018975.4 (MANE Select); coding-DNA position 807, C replaced by A.
Protein change: p.Ser269Arg; replaces serine 269 with arginine.
Molecular consequence: missense variant. On other transcripts: non-coding transcript variant (1).
Genome position (GRCh38, 1-based): chr16:75,656,218, C>A. VCF-style: chr16-75656218-C-A. GRCh37 (hg19) VCF-style: chr16-75690116-C-A.
Other names: short protein forms S269R.
Identifiers: ClinVar variation 1761892 (VCV001761892.2), dbSNP rs760745402, ClinGen allele CA396819620.
Genomic context (GRCh38, chr16:75,656,218, plus strand): 5'-AATCAAGACTTGGTGATTAGGAGCTGGTTTTACTCATCATTCTGTCTAGGTGGATGAGAG[C>A]CCTCCTGATTTTGAAATACATATAACTATGTGTGATGATGATCCACCCACACCTGAGGAA-3'
Protein context (NP_061848.2, residues 259-279): REFEEVVVDE[Ser269Arg]PPDFEIHITM

ClinVar aggregate classification (germline): Uncertain significance (1 of 4 stars; one submission).

Allele frequency attached by ClinVar (database versions not stated): TOPMed below 0.00001.

Submission:

Ambry Genetics
Classification: Uncertain significance. Last evaluated: 2024-02-02. Review status: criteria provided, single submitter. Criteria: Ambry Variant Classification Scheme 2023. Collection method: clinical testing. Allele origin: germline.
Comment: The p.S269R variant (also known as c.807C>A), located in coding exon 3 of the TERF2IP gene, results from a C to A substitution at nucleotide position 807. The serine at codon 269 is replaced by arginine, an amino acid with dissimilar properties. This amino acid position is conserved. In addition, this alteration is predicted to be tolerated by in silico analysis. Since supporting evidence is limited at this time, the clinical significance of this alteration remains unclear.